The following is an entry in ClinVar:

ClinVar aggregate classification (germline): Pathogenic (1 of 4 stars; one submission).

Conditions:
Lynch syndrome 5 (LYNCH5). Also called: Colorectal cancer, hereditary nonpolyposis, type 5; Hereditary non-polyposis colorectal cancer, type 5. Identifiers: Orphanet 144, MedGen C1833477, MONDO:0013710, OMIM 614350. Disease mechanism: loss of function.

Submission:

Myriad Genetics, Inc.
Classification: Pathogenic for Lynch syndrome 5. Last evaluated: 2024-10-31. Review status: criteria provided, single submitter. Criteria: Myriad Autosomal Dominant, Autosomal Recessive and X-Linked Classification Criteria (2023). Collection method: clinical testing. Allele origin: unknown.
Comment: This variant is considered pathogenic. This variant creates a frameshift predicted to result in premature protein truncation.

NM_000179.3(MSH6):c.1321_1325del (p.Leu441fs)

Gene: MSH6 (mutS homolog 6; plus strand). Cytogenetic location: 2p16.3.
Variant type: Deletion.
Coding change: c.1321_1325del on transcript NM_000179.3 (MANE Select); coding-DNA positions 1321 to 1325, 5 bases deleted (CTTAT; older notation c.1321_1325delCTTAT).
Protein change: p.Leu441fs; shifts the reading frame from leucine 441.
Molecular consequence: frameshift variant. On other transcripts: non-coding transcript variant (4), intron variant (1).
Genome position (GRCh38, 1-based): chr2:47,799,304-47,799,308, CTTAT deleted; deleting any 5 consecutive bases within chr2:47,799,303-47,799,308 gives the same sequence; the c. name uses the placement nearest the transcript's 3' end. VCF-style (leftmost placement, unchanged base first): chr2-47799302-CTCTTA-C. GRCh37 (hg19) VCF-style: chr2-48026441-CTCTTA-C.
Other names: c.931_935del, p.Leu311fs (NM_001281492.2); c.415_419del, p.Leu139fs (NM_001281493.2, NM_001281494.2, NM_001406811.1 and 6 more transcripts); c.1417_1421del, p.Leu473fs (NM_001406795.1, NM_001406802.1); c.1321_1325del, p.Leu441fs (NM_001406796.1, NM_001406798.1, NM_001406800.1 and 4 more transcripts); c.1024_1028del, p.Leu342fs (NM_001406797.1, NM_001406801.1, NM_001406805.1 and 10 more transcripts); c.796_800del, p.Leu266fs (NM_001406799.1, NM_001406806.1, NM_001406807.1); c.1243_1247del, p.Leu415fs (NM_001406804.1); c.1327_1331del, p.Leu443fs (NM_001406813.1); and 2 more; short protein forms L139fs, L266fs, L311fs, L342fs, L385fs, L415fs, L441fs, L443fs.
Identifiers: ClinVar variation 3773513 (VCV003773513.1).
Genomic context (GRCh38, chr2:47,799,302, plus strand): 5'-ACTTTGATCTTGTCATCTGTTACAAGGTGGGGAAATTTTATGAGCTGTACCACATGGATG[CTCTTA>C]TTGGAGTCAGTGAACTGGGGCTGGTATTCATGAAAGGCAACTGGGCCCATTCTGGCTTTC-3'